The following is an entry in ClinVar:

NM_001848.3(COL6A1):c.1272+11C>T

Gene: COL6A1 (collagen type VI alpha 1 chain; plus strand). Cytogenetic location: 21q22.3.
Variant type: single nucleotide variant.
Coding change: c.1272+11C>T on transcript NM_001848.3 (MANE Select); 11 bases into the intron after coding-DNA position 1272, C replaced by T.
Molecular consequence: intron variant.
Genome position (GRCh38, 1-based): chr21:45,992,409, C>T. VCF-style: chr21-45992409-C-T. GRCh37 (hg19) VCF-style: chr21-47412323-C-T.
Identifiers: ClinVar variation 512189 (VCV000512189.4), dbSNP rs371785147, ClinGen allele CA10070204.

ClinVar aggregate classification (germline): Likely benign. Review status: criteria provided, multiple submitters, no conflicts (2 of 4 stars). 2 submissions from 2 submitters: Likely benign (2). Last evaluated 2025-10-02.

Conditions:
Bethlem myopathy 1A. Also called: MYOPATHY, BENIGN CONGENITAL, WITH CONTRACTURES; Bethlem myopathy 1; Bethlem Muscular Dystrophy. Identifiers: Orphanet 610, MedGen CN029274, MONDO:0024530, OMIM 158810.

Allele frequency attached by ClinVar (database versions not stated): ExAC 0.00002; gnomAD exomes 0.00002 and 0.00005; gnomAD 0.00003; TOPMed 0.00003; ESP Exome Variant Server 0.00008.
gnomAD v4.1: 78 of 1,611,962 alleles (0.0048%); highest among the groups gnomAD compares: Non-Finnish European, 0.0064%; no homozygotes.

Submissions (2):

Labcorp Genetics (formerly Invitae), Labcorp
Classification: Likely benign for Bethlem myopathy 1A. Last evaluated: 2025-10-02. Review status: criteria provided, single submitter. Criteria: Invitae Variant Classification Sherloc (09022015). Collection method: clinical testing. Allele origin: germline.

GeneDx
Classification: Likely benign. Last evaluated: 2017-09-18. Review status: criteria provided, single submitter. Criteria: GeneDx Variant Classification (06012015). Collection method: clinical testing. Allele origin: germline. Affected: yes.
Comment: This variant is considered likely benign or benign based on one or more of the following criteria: it is a conservative change, it occurs at a poorly conserved position in the protein, it is predicted to be benign by multiple in silico algorithms, and/or has population frequency not consistent with disease.